The following is an entry in ClinVar:

NM_024577.4(SH3TC2):c.2062C>A (p.Leu688Ile)

Gene: SH3TC2 (SH3 domain and tetratricopeptide repeats 2; minus strand). Cytogenetic location: 5q32.
Variant type: single nucleotide variant.
Coding change: c.2062C>A on transcript NM_024577.4 (MANE Select); coding-DNA position 2062, C replaced by A.
Protein change: p.Leu688Ile; replaces leucine 688 with isoleucine.
Molecular consequence: missense variant.
Genome position (GRCh38, 1-based): chr5:149,027,670, G>T on the plus strand (C>A on the coding strand, the complement: SH3TC2 is on the minus strand). VCF-style: chr5-149027670-G-T. GRCh37 (hg19) VCF-style: chr5-148407233-G-T.
Other names: short protein forms L688I.
Identifiers: ClinVar variation 1361146 (VCV001361146.5), dbSNP rs773433720, ClinGen allele CA361667159.

ClinVar aggregate classification (germline): Uncertain significance (1 of 4 stars; one submission).

Conditions:
Charcot-Marie-Tooth disease type 4. Also called: Charcot-Marie-Tooth disease, type IV; Charcot-Marie-Tooth, Type 4. Identifiers: Orphanet 64749, MedGen C4082197, MONDO:0018995.

Allele frequency attached by ClinVar (database versions not stated): gnomAD exomes below 0.00001.
gnomAD v4.1: 1 of 1,614,248 alleles (0.000062%); highest among the groups gnomAD compares: Non-Finnish European, 0.000085%; no homozygotes.

Submission:

Labcorp Genetics (formerly Invitae), Labcorp
Classification: Uncertain significance for Charcot-Marie-Tooth disease type 4. Last evaluated: 2024-02-12. Review status: criteria provided, single submitter. Criteria: Invitae Variant Classification Sherloc (09022015). Collection method: clinical testing. Allele origin: germline.
Comment: This sequence change replaces leucine, which is neutral and non-polar, with isoleucine, which is neutral and non-polar, at codon 688 of the SH3TC2 protein (p.Leu688Ile). This variant is not present in population databases (gnomAD no frequency). This variant has not been reported in the literature in individuals affected with SH3TC2-related conditions. ClinVar contains an entry for this variant (Variation ID: 1361146). Advanced modeling of protein sequence and biophysical properties (such as structural, functional, and spatial information, amino acid conservation, physicochemical variation, residue mobility, and thermodynamic stability) performed at Invitae indicates that this missense variant is not expected to disrupt SH3TC2 protein function with a negative predictive value of 95%. In summary, the available evidence is currently insufficient to determine the role of this variant in disease. Therefore, it has been classified as a Variant of Uncertain Significance.